The following is an entry in ClinVar:

NM_001170629.2(CHD8):c.1621G>A (p.Gly541Ser)

Gene: CHD8 (chromodomain helicase DNA binding protein 8; minus strand). Cytogenetic location: 14q11.2.
Variant type: single nucleotide variant.
Coding change: c.1621G>A on transcript NM_001170629.2 (MANE Select); coding-DNA position 1621, G replaced by A.
Protein change: p.Gly541Ser; replaces glycine 541 with serine.
Molecular consequence: missense variant.
Genome position (GRCh38, 1-based): chr14:21,426,223, C>T on the plus strand (G>A on the coding strand, the complement: CHD8 is on the minus strand). VCF-style: chr14-21426223-C-T. GRCh37 (hg19) VCF-style: chr14-21894382-C-T.
Other names: c.784G>A, p.Gly262Ser (NM_020920.4); short protein forms G262S, G541S.
Identifiers: ClinVar variation 4766113 (VCV004766113.2).

ClinVar aggregate classification (germline): Conflicting classifications of pathogenicity. Review status: criteria provided, conflicting classifications (1 of 4 stars). 2 submissions from 2 submitters: Uncertain significance (1); Likely benign (1). Last evaluated 2026-04-27.

Conditions:
Paediatric disorders.

gnomAD v4.1: 3 of 1,602,166 alleles (0.00019%); highest among the groups gnomAD compares: Non-Finnish European, 0.000085%; no homozygotes.

Submissions (2):

North West Genomic Laboratory Hub, Manchester University NHS Foundation Trust
Classification: Uncertain significance for Paediatric disorders. Last evaluated: 2026-04-27. Review status: criteria provided, single submitter. Criteria: ACGS Best Practice Guidelines for Variant Classification in Rare Disease 2024. Collection method: clinical testing. Allele origin: germline. Affected: yes.
Comment: BP4_Supp

Labcorp Genetics (formerly Invitae), Labcorp
Classification: Likely benign. Last evaluated: 2025-08-14. Review status: criteria provided, single submitter. Criteria: Invitae Variant Classification Sherloc (09022015). Collection method: clinical testing. Allele origin: germline.